The following is an entry in ClinVar:

ClinVar aggregate classification (germline): Likely pathogenic (1 of 4 stars; one submission).

Submission:

GeneDx
Classification: Likely pathogenic. Last evaluated: 2024-01-17. Review status: criteria provided, single submitter. Criteria: GeneDx Variant Classification Process June 2021. Collection method: clinical testing. Allele origin: germline. Affected: yes.
Comment: In silico analysis supports that this missense variant has a deleterious effect on protein structure/function; Not observed at significant frequency in large population cohorts (gnomAD); This variant is associated with the following publications: (PMID: 27529981, 7937052, 32875744)

NM_000133.4(F9):c.1225G>A (p.Gly409Arg)

Gene: F9 (coagulation factor IX; plus strand). Cytogenetic location: Xq27.1.
Variant type: single nucleotide variant.
Coding change: c.1225G>A on transcript NM_000133.4 (MANE Select); coding-DNA position 1225, G replaced by A.
Protein change: p.Gly409Arg; replaces glycine 409 with arginine.
Molecular consequence: missense variant.
Genome position (GRCh38, 1-based): chrX:139,561,910, G>A. VCF-style: chrX-139561910-G-A. GRCh37 (hg19) VCF-style: chrX-138644069-G-A.
Other names: c.1111G>A, p.Gly371Arg (NM_001313913.2); short protein forms G371R, G409R.
Identifiers: ClinVar variation 3338825 (VCV003338825.1).